The following is an entry in ClinVar:

NM_005591.4(MRE11):c.6T>A (p.Ser2Arg)

Gene: MRE11 (MRE11 double strand break repair nuclease; minus strand). Cytogenetic location: 11q21.
Variant type: single nucleotide variant.
Coding change: c.6T>A on transcript NM_005591.4 (MANE Select); coding-DNA position 6, T replaced by A.
Protein change: p.Ser2Arg; replaces serine 2 with arginine.
Molecular consequence: missense variant.
Genome position (GRCh38, 1-based): chr11:94,492,796, A>T on the plus strand (T>A on the coding strand, the complement: MRE11 is on the minus strand). VCF-style: chr11-94492796-A-T. GRCh37 (hg19) VCF-style: chr11-94225962-A-T.
Other names: c.6T>A, p.Ser2Arg (NM_001330347.2, NM_005590.4); short protein forms S2R.
Identifiers: ClinVar variation 216614 (VCV000216614.8), dbSNP rs777751367, ClinGen allele CA336979.

ClinVar aggregate classification (germline): Uncertain significance (1 of 4 stars; one submission).

Conditions:
Ataxia-telangiectasia-like disorder (ATLD). Identifiers: MedGen C1858391, MONDO:0011457.

gnomAD v4.1: 1 of 1,613,840 alleles (0.000062%); no homozygotes.

Submission:

Labcorp Genetics (formerly Invitae), Labcorp
Classification: Uncertain significance for Ataxia-telangiectasia-like disorder. Last evaluated: 2015-06-06. Review status: criteria provided, single submitter. Criteria: Invitae Variant Classification Sherloc (09022015). Collection method: clinical testing. Allele origin: germline.
Comment: Algorithms developed to predict the effect of missense changes on protein structure and function do not agree on the potential impact of this missense change (SIFT: "Deleterious"; PolyPhen-2: "Benign"; Align-GVGD: "Class C0"). In summary, this is a novel missense change with uncertain impact on protein function. It has been classified as a Variant of Uncertain Significance. This variant has not been published in the literature and is not present in population databases. This sequence change replaces serine with arginine at codon 2 of the MRE11A protein (p.Ser2Arg). The serine residue is moderately conserved and there is a moderate physicochemical difference between serine and arginine.